The following is an entry in ClinVar:

NM_000397.4(CYBB):c.1461+6G>T

Gene: CYBB (cytochrome b-245 beta chain; plus strand). Cytogenetic location: Xp11.4.
Variant type: single nucleotide variant.
Coding change: c.1461+6G>T on transcript NM_000397.4 (MANE Select); 6 bases into the intron after coding-DNA position 1461, G replaced by T.
Molecular consequence: intron variant.
Genome position (GRCh38, 1-based): chrX:37,806,539, G>T. VCF-style: chrX-37806539-G-T. GRCh37 (hg19) VCF-style: chrX-37665792-G-T.
Identifiers: ClinVar variation 2915785 (VCV002915785.3), dbSNP rs1418899905, ClinGen allele CA875140139.

ClinVar aggregate classification (germline): Uncertain significance (1 of 4 stars; one submission).

Conditions:
Granulomatous disease, chronic, X-linked. Also called: CYTOCHROME b-NEGATIVE GRANULOMATOUS DISEASE, CHRONIC, X-LINKED; GRANULOMATOUS DISEASE, CHRONIC, X-LINKED, SOMATIC MOSAIC. Identifiers: Orphanet 379, MedGen C1844376, MONDO:0010600, OMIM 306400.

Allele frequency attached by ClinVar (database versions not stated): TOPMed below 0.00001; gnomAD 0.00001; gnomAD exomes 0.00001.
gnomAD v4.1: 11 of 1,205,842 alleles (0.00091%); highest among the groups gnomAD compares: Non-Finnish European, 0.0011%; no homozygotes.

Submission:

Labcorp Genetics (formerly Invitae), Labcorp
Classification: Uncertain significance for Granulomatous disease, chronic, X-linked. Last evaluated: 2025-12-22. Review status: criteria provided, single submitter. Criteria: Invitae Variant Classification Sherloc (09022015). Collection method: clinical testing. Allele origin: germline.
Comment: This sequence change falls in intron 11 of the CYBB gene. It does not directly change the encoded amino acid sequence of the CYBB protein. It affects a nucleotide within the consensus splice site. This variant is not present in population databases (gnomAD no frequency). This variant has not been reported in the literature in individuals affected with CYBB-related conditions. ClinVar contains an entry for this variant (Variation ID: 2915785). Variants that disrupt the consensus splice site are a relatively common cause of aberrant splicing (PMID: 17576681, 9536098). Algorithms developed to predict the effect of sequence changes on RNA splicing suggest that this variant is not likely to affect RNA splicing. In summary, the available evidence is currently insufficient to determine the role of this variant in disease. Therefore, it has been classified as a Variant of Uncertain Significance.

Literature cited by the submitters: PubMed 17576681; PubMed 9536098.